The following is an entry in ClinVar:

NM_001009944.3(PKD1):c.423G>A (p.Glu141=)

Gene: PKD1 (polycystin 1, transient receptor potential channel interacting; minus strand). Cytogenetic location: 16p13.3.
Variant type: single nucleotide variant.
Coding change: c.423G>A on transcript NM_001009944.3 (MANE Select); coding-DNA position 423, G replaced by A.
Protein change: p.Glu141=; no amino-acid change (glutamic acid 141 retained).
Molecular consequence: synonymous variant.
Genome position (GRCh38, 1-based): chr16:2,118,782, C>T on the plus strand (G>A on the coding strand, the complement: PKD1 is on the minus strand). VCF-style: chr16-2118782-C-T. GRCh37 (hg19) VCF-style: chr16-2168783-C-T.
Other names: c.423G>A, p.Glu141= (NM_000296.4).
Identifiers: ClinVar variation 1254357 (VCV001254357.28), dbSNP rs9932419, ClinGen allele CA7833707.

ClinVar aggregate classification (germline): Likely benign. Review status: criteria provided, multiple submitters, no conflicts (2 of 4 stars). 6 submissions from 6 submitters: Likely benign (5). 1 of the submissions does not count toward it. Last evaluated 2026-07-01.

Conditions:
Polycystic kidney disease, adult type (PKD1). Also called: Polycystic Kidney, Autosomal Dominant; POLYCYSTIC KIDNEY DISEASE 1 WITH OR WITHOUT POLYCYSTIC LIVER DISEASE; Polycystic Kidney Disease 1, Autosomal Dominant; Polycystic kidney disease 1; Polycystic kidney disease 1, severe; POLYCYSTIC KIDNEY DISEASE, ADULT, TYPE I. Identifiers: MedGen C3149841, MONDO:0008263, OMIM 173900.
PKD1-related disorder. Also called: PKD1-related condition.

Allele frequency attached by ClinVar (database versions not stated): gnomAD 0.00031 and 0.00034; TOPMed 0.00042; ExAC 0.00053; gnomAD exomes 0.00059 and 0.00075.
gnomAD v4.1: 1,023 of 1,466,134 alleles (0.07%); highest among the groups gnomAD compares: Middle Eastern, 0.21%; 3 homozygotes.

Submissions (6):

CeGaT Center for Human Genetics Tuebingen
Classification: Likely benign. Last evaluated: 2026-07-01. Review status: criteria provided, single submitter. Criteria: CeGaT Center For Human Genetics Tuebingen Variant Classification Criteria Version 2. Collection method: clinical testing. Allele origin: germline. Affected: yes. Observed: 3 variant alleles.
Comment: PKD1: BP4, BP7

Women's Health and Genetics/Laboratory Corporation of America, LabCorp
Classification: Likely benign. Last evaluated: 2025-09-09. Review status: criteria provided, single submitter. Criteria: LabCorp Variant Classification Summary - May 2015. Collection method: clinical testing. Allele origin: germline.

Blueprint Genetics
Classification: Likely benign. Last evaluated: 2024-10-30. Review status: criteria provided, single submitter. Criteria: ACMG Guidelines, 2015. Collection method: clinical testing. Allele origin: germline.

Department of Pathology and Laboratory Medicine, Sinai Health System
Classification: Likely benign for Polycystic kidney disease, adult type. Last evaluated: 2023-09-27. Review status: criteria provided, single submitter. Criteria: ACMG Guidelines, 2015. Collection method: clinical testing. Allele origin: germline. Affected: yes.

GeneDx
Classification: Likely benign. Last evaluated: 2021-02-17. Review status: criteria provided, single submitter. Criteria: GeneDx Variant Classification Process June 2021. Collection method: clinical testing. Allele origin: germline. Affected: yes.

PreventionGenetics, part of Exact Sciences
Classification: Likely benign for PKD1-related condition. Last evaluated: 2023-11-06. Review status: no assertion criteria provided. Collection method: clinical testing. Allele origin: germline. Not counted in ClinVar's aggregate classification.
Comment: This variant is classified as likely benign based on ACMG/AMP sequence variant interpretation guidelines (Richards et al. 2015 PMID: 25741868, with internal and published modifications).